The following is an entry in ClinVar:

NM_004415.4(DSP):c.4250C>T (p.Thr1417Ile)

Gene: DSP (desmoplakin; plus strand). Cytogenetic location: 6p24.3.
Variant type: single nucleotide variant.
Coding change: c.4250C>T on transcript NM_004415.4 (MANE Select); coding-DNA position 4250, C replaced by T.
Protein change: p.Thr1417Ile; replaces threonine 1417 with isoleucine.
Molecular consequence: missense variant. On other transcripts: intron variant (2).
Genome position (GRCh38, 1-based): chr6:7,580,440, C>T. VCF-style: chr6-7580440-C-T. GRCh37 (hg19) VCF-style: chr6-7580673-C-T.
Other names: c.4050+200C>T (NM_001319034.2); c.3582+668C>T (NM_001008844.3); short protein forms T1417I.
Identifiers: ClinVar variation 3505545 (VCV003505545.3).
Genomic context (GRCh38, chr6:7,580,440, plus strand): 5'-ATCTCACCCGAGAAAACAGGAGCTTATCTGAAGAAATAAAGAGGCTGAAGAACACTCTAA[C>T]CCAGACCACAGAGAATCTCAGGAGGGTGGAAGAAGACATCCAACAGCAAAAGGCCACTGG-3'
Protein context (NP_004406.2, residues 1407-1427): EEIKRLKNTL[Thr1417Ile]QTTENLRRVE

ClinVar aggregate classification (germline): Uncertain significance. Review status: criteria provided, multiple submitters, no conflicts (2 of 4 stars). 2 submissions from 2 submitters: Uncertain significance (2). Last evaluated 2026-09-11.

Conditions:
Cardiovascular phenotype. Identifiers: MedGen CN230736.
Cardiomyopathy (CMYO). Also called: Cardiomyopathies. Identifiers: Orphanet 167848, MedGen C0878544, MONDO:0004994, HP:0001638. Inheritance: Various modes of inheritance.

Submissions (2):

Ambry Genetics
Classification: Uncertain significance for Cardiovascular phenotype. Last evaluated: 2026-09-11. Review status: criteria provided, single submitter. Criteria: Ambry Variant Classification Scheme 2023. Collection method: clinical testing. Allele origin: germline.
Comment: The p.T1417I variant (also known as c.4250C>T), located in coding exon 23 of the DSP gene, results from a C to T substitution at nucleotide position 4250. The threonine at codon 1417 is replaced by isoleucine, an amino acid with similar properties. This amino acid position is conserved. In addition, this alteration is predicted to be tolerated by in silico analysis. Based on the available evidence, the clinical significance of this variant remains unclear.

Color Diagnostics, LLC DBA Color Health
Classification: Uncertain significance for Cardiomyopathy. Last evaluated: 2025-05-30. Review status: criteria provided, single submitter. Criteria: ACMG Guidelines, 2015. Collection method: clinical testing. Allele origin: germline.
Comment: This missense variant replaces threonine with isoleucine at codon 1417 of the DSP protein. Computational prediction suggests that this variant may not impact protein structure and function. To our knowledge, functional studies have not been reported for this variant. This variant has not been reported in individuals affected with DSP-related disorders in the literature. This variant has not been identified in the general population by the Genome Aggregation Database (gnomAD). The available evidence is insufficient to determine the role of this variant in disease conclusively. Therefore, this variant is classified as a Variant of Uncertain Significance.